The following is an entry in ClinVar:

NM_007227.3(GPR45):c.213G>A (p.Leu71=)

Gene: GPR45 (G protein-coupled receptor 45; plus strand). Cytogenetic location: 2q12.1.
Variant type: single nucleotide variant.
Coding change: c.213G>A on transcript NM_007227.3 (MANE Select); coding-DNA position 213, G replaced by A.
Protein change: p.Leu71=; no amino-acid change (leucine 71 retained).
Molecular consequence: synonymous variant.
Genome position (GRCh38, 1-based): chr2:105,242,071, G>A. VCF-style: chr2-105242071-G-A. GRCh37 (hg19) VCF-style: chr2-105858528-G-A.
Identifiers: ClinVar variation 2707878 (VCV002707878.3), dbSNP rs748884384, ClinGen allele CA1813541.
Genomic context (GRCh38, chr2:105,242,071, plus strand): 5'-CAACACTGTGGTCTGCATCATCGTGTACCAGAGGCCGGCTATGCGCTCGGCCATCAACCT[G>A]CTGCTGGCCACCCTGGCCTTCTCCGACATCATGCTGTCCCTCTGCTGCATGCCCTTCACC-3'
Protein context (NP_009158.3, residues 61-81): QRPAMRSAIN[Leu71=]LLATLAFSDI

ClinVar aggregate classification (germline): Uncertain significance (1 of 4 stars; one submission).

Allele frequency attached by ClinVar (database versions not stated): ExAC 0.00001; gnomAD 0.00001.
gnomAD v4.1: 9 of 1,614,078 alleles (0.00056%); highest among the groups gnomAD compares: Non-Finnish European, 0.000085%; no homozygotes.

Submission:

Labcorp Genetics (formerly Invitae), Labcorp
Classification: Uncertain significance. Last evaluated: 2024-01-06. Review status: criteria provided, single submitter. Criteria: Invitae Variant Classification Sherloc (09022015). Collection method: clinical testing. Allele origin: germline.
Comment: This sequence change affects codon 71 of the GPR45 mRNA. It is a 'silent' change, meaning that it does not change the encoded amino acid sequence of the GPR45 protein. This variant is present in population databases (rs748884384, gnomAD 0.02%). This variant has not been reported in the literature in individuals affected with GPR45-related conditions. In summary, the available evidence is currently insufficient to determine the role of this variant in disease. Therefore, it has been classified as a Variant of Uncertain Significance.